The following is an entry in ClinVar:

ClinVar aggregate classification (germline): Likely benign. Review status: criteria provided, multiple submitters, no conflicts (2 of 4 stars). 3 submissions from 3 submitters: Likely benign (2). 1 of the submissions does not count toward it. Last evaluated 2026-01-13.

Conditions:
Heterotopia, periventricular, X-linked dominant (PVNH1). Also called: PERIVENTRICULAR NODULAR HETEROTOPIA 1; X-linked periventricular heterotopia; PERIVENTRICULAR NODULAR HETEROTOPIA 4; HETEROTOPIA, PERIVENTRICULAR, 1. Identifiers: Orphanet 2149, Orphanet 82004, MedGen C1848213, MONDO:0010233, OMIM 300049.
Oto-palato-digital syndrome, type II (OPD2). Also called: OPD II SYNDROME; FACIOPALATOOSSEOUS SYNDROME; Otopalatodigital Syndrome Type 2 (FLNA-OPD2); Otopalatodigital Syndrome, Type II. Identifiers: Orphanet 669, Orphanet 90652, MedGen C1844696, MONDO:0010571, OMIM 304120.
Melnick-Needles syndrome (MNS). Also called: MELNICK-NEEDLES OSTEODYSPLASTY; OSTEODYSPLASTY OF MELNICK AND NEEDLES; Melnick-Needles Syndrome (FLNA-MNS). Identifiers: Orphanet 2484, MedGen C0025237, MONDO:0010650, OMIM 309350.
Frontometaphyseal dysplasia (FMD1). Identifiers: Orphanet 1826, MedGen C0265293, MONDO:0015942.
Familial thoracic aortic aneurysm and aortic dissection (TAAD). Also called: Thoracic aortic aneurysms and dissections. Identifiers: Orphanet 91387, MedGen C4707243, MONDO:0019625.
FLNA-related disorder.

Allele frequency attached by ClinVar (database versions not stated): ExAC 0.00002; gnomAD 0.00002; gnomAD exomes 0.00002; TOPMed 0.00004.
gnomAD v4.1: 5 of 1,208,465 alleles (0.00041%); highest among the groups gnomAD compares: African/African-American, 0.007%; no homozygotes.

Submissions (3):

Labcorp Genetics (formerly Invitae), Labcorp
Classification: Likely benign for Oto-palato-digital syndrome, type II; Heterotopia, periventricular, X-linked dominant; Frontometaphyseal dysplasia; Melnick-Needles syndrome. Last evaluated: 2026-01-13. Review status: criteria provided, single submitter. Criteria: Invitae Variant Classification Sherloc (09022015). Collection method: clinical testing. Allele origin: germline.

Ambry Genetics
Classification: Likely benign for Familial thoracic aortic aneurysm and aortic dissection. Last evaluated: 2025-05-27. Review status: criteria provided, single submitter. Criteria: Ambry Variant Classification Scheme 2023. Collection method: clinical testing. Allele origin: germline.

PreventionGenetics, part of Exact Sciences
Classification: Likely benign for FLNA-related condition. Last evaluated: 2020-10-30. Review status: no assertion criteria provided. Collection method: clinical testing. Allele origin: germline. Not counted in ClinVar's aggregate classification.
Comment: This variant is classified as likely benign based on ACMG/AMP sequence variant interpretation guidelines (Richards et al. 2015 PMID: 25741868, with internal and published modifications).

NM_001110556.2(FLNA):c.3120C>G (p.Pro1040=)

Gene: FLNA (filamin A; minus strand). Cytogenetic location: Xq28.
Variant type: single nucleotide variant.
Coding change: c.3120C>G on transcript NM_001110556.2 (MANE Select); coding-DNA position 3120, C replaced by G.
Protein change: p.Pro1040=; no amino-acid change (proline 1040 retained).
Molecular consequence: synonymous variant.
Genome position (GRCh38, 1-based): chrX:154,361,395, G>C on the plus strand (C>G on the coding strand, the complement: FLNA is on the minus strand). VCF-style: chrX-154361395-G-C. GRCh37 (hg19) VCF-style: chrX-153589763-G-C.
Other names: c.3120C>G, p.Pro1040= (NM_001456.4); c.3120C>G (NM_001110556.1).
Identifiers: ClinVar variation 767380 (VCV000767380.11), dbSNP rs782814092, ClinGen allele CA10560772.
Genomic context (GRCh38, chrX:154,361,395, plus strand): 5'-TTCCAGAGGAAAGGGGCTGCCAGGCACGGGCACGCCGTCATAGGTCACCTCCACCTCATA[G>C]GGCCCTTCCTCACGGGGCAGGAAGCGCACCACACTGTTGTCAGCCCCCAGGCCTGGCTCC-3'
Protein context (NP_001104026.1, residues 1030-1050): VVRFLPREEG[Pro1040=]YEVEVTYDGV